The following is an entry in ClinVar:

ClinVar aggregate classification (germline): Uncertain significance (1 of 4 stars; one submission).

Conditions:
Inborn genetic diseases. Identifiers: MedGen C0950123, MeSH D030342.

Submission:

Ambry Genetics
Classification: Uncertain significance for Inborn genetic diseases. Last evaluated: 2026-09-09. Review status: criteria provided, single submitter. Criteria: Ambry Variant Classification Scheme 2023. Collection method: clinical testing. Allele origin: germline.
Comment: The p.D571G variant (also known as c.1712A>G), located in coding exon 17 of the ANKRD26 gene, results from an A to G substitution at nucleotide position 1712. The aspartic acid at codon 571 is replaced by glycine, an amino acid with similar properties. This amino acid position is conserved. In addition, this alteration is predicted to be tolerated by in silico analysis. Based on the available evidence, the clinical significance of this variant remains unclear.

NM_014915.3(ANKRD26):c.1712A>G (p.Asp571Gly)

Gene: ANKRD26 (ankyrin repeat domain 26; minus strand). Cytogenetic location: 10p12.1.
Variant type: single nucleotide variant.
Coding change: c.1712A>G on transcript NM_014915.3 (MANE Select); coding-DNA position 1712, A replaced by G.
Protein change: p.Asp571Gly; replaces aspartic acid 571 with glycine.
Molecular consequence: missense variant.
Genome position (GRCh38, 1-based): chr10:27,048,903, T>C on the plus strand (A>G on the coding strand, the complement: ANKRD26 is on the minus strand). VCF-style: chr10-27048903-T-C. GRCh37 (hg19) VCF-style: chr10-27337832-T-C.
Other names: c.1712A>G, p.Asp571Gly (NM_001256053.2); short protein forms D571G.
Identifiers: ClinVar variation 5023862 (VCV005023862.1).